The following is an entry in ClinVar:

ClinVar aggregate classification (germline): Uncertain significance. Review status: criteria provided, multiple submitters, no conflicts (2 of 4 stars). 4 submissions from 4 submitters: Uncertain significance (3). 1 of the submissions does not count toward it. Last evaluated 2024-12-04.

Conditions:
WDPCP-related disorder. Also called: WDPCP-related condition.
Bardet-Biedl syndrome 15 (BBS15). Identifiers: Orphanet 110, MedGen C3150127, MONDO:0014443, OMIM 615992.
Heart defect - tongue hamartoma - polysyndactyly syndrome. Also called: Congenital heart defects, hamartomas of tongue, and polysyndactyly. Identifiers: Orphanet 1338, MedGen C1857587, MONDO:0009008, OMIM 217085.
Bardet-Biedl syndrome (BBS). Identifiers: Orphanet 110, MedGen C0752166, MONDO:0015229.

Allele frequency attached by ClinVar (database versions not stated): gnomAD exomes below 0.00001; ExAC 0.00001; gnomAD 0.00001; 1000 Genomes Project 30x 0.00016; 1000 Genomes Project 0.00020.
gnomAD v4.1: 4 of 1,594,348 alleles (0.00025%); highest among the groups gnomAD compares: Admixed American, 0.0034%; no homozygotes.

Submissions (4):

Labcorp Genetics (formerly Invitae), Labcorp
Classification: Uncertain significance for Bardet-Biedl syndrome. Last evaluated: 2024-12-04. Review status: criteria provided, single submitter. Criteria: Invitae Variant Classification Sherloc (09022015). Collection method: clinical testing. Allele origin: germline.
Comment: This sequence change replaces glycine, which is neutral and non-polar, with arginine, which is basic and polar, at codon 58 of the WDPCP protein (p.Gly58Arg). The frequency data for this variant in the population databases is considered unreliable, as metrics indicate poor data quality at this position in the gnomAD database. This variant has not been reported in the literature in individuals affected with WDPCP-related conditions. ClinVar contains an entry for this variant (Variation ID: 1381177). Invitae Evidence Modeling of protein sequence and biophysical properties (such as structural, functional, and spatial information, amino acid conservation, physicochemical variation, residue mobility, and thermodynamic stability) indicates that this missense variant is expected to disrupt WDPCP protein function with a positive predictive value of 80%. In summary, the available evidence is currently insufficient to determine the role of this variant in disease. Therefore, it has been classified as a Variant of Uncertain Significance.

Fulgent Genetics
Classification: Uncertain significance for Heart defect - tongue hamartoma - polysyndactyly syndrome; Bardet-Biedl syndrome 15. Last evaluated: 2022-02-11. Review status: criteria provided, single submitter. Criteria: ACMG Guidelines, 2015. Collection method: clinical testing. Allele origin: unknown.

Breakthrough Genomics
Classification: Uncertain significance. Review status: criteria provided, single submitter. Criteria: ACMG Guidelines, 2015. Collection method: not provided. Allele origin: germline. Inheritance: Autosomal recessive inheritance. Affected: yes.

PreventionGenetics, part of Exact Sciences
Classification: Uncertain significance for WDPCP-related condition. Last evaluated: 2024-05-14. Review status: no assertion criteria provided. Collection method: clinical testing. Allele origin: germline. Not counted in ClinVar's aggregate classification.
Comment: The WDPCP c.172G>A variant is predicted to result in the amino acid substitution p.Gly58Arg. To our knowledge, this variant has not been reported in the literature. This variant is reported in 0.0029% of alleles in individuals of Latino descent in gnomAD. At this time, the clinical significance of this variant is uncertain due to the absence of conclusive functional and genetic evidence.

NM_015910.7(WDPCP):c.172G>A (p.Gly58Arg)

Gene: WDPCP (WD repeat containing planar cell polarity effector; minus strand). Cytogenetic location: 2p15.
Variant type: single nucleotide variant.
Coding change: c.172G>A on transcript NM_015910.7 (MANE Select); coding-DNA position 172, G replaced by A.
Protein change: p.Gly58Arg; replaces glycine 58 with arginine.
Molecular consequence: missense variant. On other transcripts: non-coding transcript variant (2).
Genome position (GRCh38, 1-based): chr2:63,487,483, C>T on the plus strand (G>A on the coding strand, the complement: WDPCP is on the minus strand). VCF-style: chr2-63487483-C-T. GRCh37 (hg19) VCF-style: chr2-63714617-C-T.
Other names: c.172G>A (NM_015910.5); c.100G>A, p.Gly34Arg (NM_001354044.2); c.172G>A, p.Gly58Arg (NM_001354045.2); short protein forms G58R, G34R.
Identifiers: ClinVar variation 1381177 (VCV001381177.9), dbSNP rs190629484, ClinGen allele CA1682587.